The following is an entry in ClinVar:

ClinVar aggregate classification (germline): Uncertain significance (1 of 4 stars; one submission).

Allele frequency attached by ClinVar (database versions not stated): gnomAD 0.00001; gnomAD exomes 0.00001; ESP Exome Variant Server 0.00008; ExAC 0.00003; TOPMed 0.00005.
gnomAD v4.1: 23 of 1,613,462 alleles (0.0014%); highest among the groups gnomAD compares: African/African-American, 0.004%; no homozygotes.

Submission:

Labcorp Genetics (formerly Invitae), Labcorp
Classification: Uncertain significance. Last evaluated: 2025-03-17. Review status: criteria provided, single submitter. Criteria: Invitae Variant Classification Sherloc (09022015). Collection method: clinical testing. Allele origin: germline.
Comment: This sequence change creates a premature translational stop signal (p.Arg269*) in the SUCLG2 gene. It is expected to result in an absent or disrupted protein product. However, the current clinical and genetic evidence is not sufficient to establish whether loss-of-function variants in SUCLG2 cause disease. This variant is present in population databases (rs368671579, gnomAD 0.02%). This variant has not been reported in the literature in individuals affected with SUCLG2-related conditions. ClinVar contains an entry for this variant (Variation ID: 2889120). In summary, the available evidence is currently insufficient to determine the role of this variant in disease. Therefore, it has been classified as a Variant of Uncertain Significance.

NM_003848.4(SUCLG2):c.805C>T (p.Arg269Ter)

Gene: SUCLG2 (succinate-CoA ligase GDP-forming subunit beta; minus strand). Cytogenetic location: 3p14.1.
Variant type: single nucleotide variant.
Coding change: c.805C>T on transcript NM_003848.4 (MANE Select); coding-DNA position 805, C replaced by T.
Protein change: p.Arg269Ter; replaces arginine 269 with a stop codon.
Molecular consequence: nonsense.
Genome position (GRCh38, 1-based): chr3:67,498,248, G>A on the plus strand (C>T on the coding strand, the complement: SUCLG2 is on the minus strand). VCF-style: chr3-67498248-G-A. GRCh37 (hg19) VCF-style: chr3-67548672-G-A.
Other names: c.805C>T, p.Arg269Ter (NM_001177599.2); short protein forms R269*.
Identifiers: ClinVar variation 2889120 (VCV002889120.3), dbSNP rs368671579, ClinGen allele CA2485881.
Genomic context (GRCh38, chr3:67,498,248, plus strand): 5'-CTTCATTTTCAATGGGCTCATTCTCTGATTTGTCGTCCATAGCAAATATGTCTTTTTGTC[G>A]GAATTCTGCGTTGTCATCAAAGTTTATCTTGGCATCAAAACAGACAACTAAATAAAGAAG-3'